The following is an entry in ClinVar:

ClinVar aggregate classification (germline): Uncertain significance (1 of 4 stars; one submission).

Conditions:
Warsaw breakage syndrome (WABS). Also called: DDX11-Related Cohesinopathy. Identifiers: Orphanet 280558, MedGen C3150658, MONDO:0013252, OMIM 613398.

Submission:

Juno Genomics, Hangzhou Juno Genomics, Inc
Classification: Uncertain significance for Warsaw breakage syndrome. Review status: criteria provided, single submitter. Criteria: ACMG Guidelines, 2015. Collection method: clinical testing. Allele origin: germline.
Comment: Absent from controls (or at extremely low frequency if recessive) in Genome Aggregation Database.;Protein length changes due to in-frame deletions/insertions in a non-repeat region or stop-loss variants.

NM_030653.4(DDX11):c.779_782delinsGGCAGGT (p.Leu260_Gly261delinsArgGlnVal)

Gene: DDX11 (DEAD/H-box helicase 11; plus strand). Cytogenetic location: 12p11.21.
Variant type: Indel.
Coding change: c.779_782delinsGGCAGGT on transcript NM_030653.4 (MANE Select); coding-DNA positions 779 to 782, TTGG replaced by GGCAGGT.
Protein change: p.Leu260_Gly261delinsArgGlnVal.
Molecular consequence: inframe indel. On other transcripts: 5 prime UTR variant (3), non-coding transcript variant (4).
Genome position (GRCh38, 1-based): chr12:31,089,138-31,089,141, TTGG replaced by GGCAGGT. VCF-style: chr12-31089138-TTGG-GGCAGGT. GRCh37 (hg19) VCF-style: chr12-31242072-TTGG-GGCAGGT.
Other names: c.779_782delinsGGCAGGT, p.Leu260_Gly261delinsArgGlnVal (NM_001257144.2, NM_001413692.1, NM_001413693.1 and 5 more transcripts); c.701_704delinsGGCAGGT, p.Leu234_Gly235delinsArgGlnVal (NM_001257145.2, NM_001413697.1, NM_001413698.1 and 1 more transcripts); c.692_695delinsGGCAGGT, p.Leu231_Gly232delinsArgGlnVal (NM_001413700.1); c.251_254delinsGGCAGGT, p.Leu84_Gly85delinsArgGlnVal (NM_001413702.1, NM_001413703.1); c.-83_-80delinsGGCAGGT (NM_001413704.1, NM_001413705.1); c.-100_-97delinsGGCAGGT (NM_001413706.1).
Identifiers: ClinVar variation 5018919 (VCV005018919.2).
Genomic context (GRCh38, chr12:31,089,138, plus strand): 5'-CCCAGTTTGTGCATGAGGTGAAGAAGAGCCCCTTTGGCAAGGATGTTCGGCTGGTCTCCC[TTGG>GGCAGGT]CTCCCGGCAGGTAAACAGTAGCCAGTATTTCCACCAGGGGCCATCCTGCTCCTTTCGCCA-3'